The following is an entry in ClinVar:

ClinVar aggregate classification (germline): Uncertain significance (1 of 4 stars; one submission).

Submission:

GeneDx
Classification: Uncertain significance. Last evaluated: 2026-03-23. Review status: criteria provided, single submitter. Criteria: GeneDx Variant Classification Process June 2021. Collection method: clinical testing. Allele origin: germline.
Comment: Not observed at significant frequency in large population cohorts (gnomAD); In silico analysis suggests that this missense variant does not alter protein structure/function; Has not been previously published as pathogenic or benign to our knowledge

NM_001042681.2(RERE):c.3208T>C (p.Cys1070Arg)

Gene: RERE (arginine-glutamic acid dipeptide repeats; minus strand). Cytogenetic location: 1p36.23.
Variant type: single nucleotide variant.
Coding change: c.3208T>C on transcript NM_001042681.2 (MANE Select); coding-DNA position 3208, T replaced by C.
Protein change: p.Cys1070Arg; replaces cysteine 1070 with arginine.
Molecular consequence: missense variant.
Genome position (GRCh38, 1-based): chr1:8,360,299, A>G on the plus strand (T>C on the coding strand, the complement: RERE is on the minus strand). VCF-style: chr1-8360299-A-G. GRCh37 (hg19) VCF-style: chr1-8420359-A-G.
Other names: c.1546T>C, p.Cys516Arg (NM_001042682.2); c.3208T>C, p.Cys1070Arg (NM_012102.4); short protein forms C1070R, C516R.
Identifiers: ClinVar variation 5017280 (VCV005017280.1).